The following is an entry in ClinVar:

NM_000368.5(TSC1):c.1991T>A (p.Leu664Gln)

Gene: TSC1 (TSC complex subunit 1; minus strand). Cytogenetic location: 9q34.13.
Variant type: single nucleotide variant.
Coding change: c.1991T>A on transcript NM_000368.5 (MANE Select); coding-DNA position 1991, T replaced by A.
Protein change: p.Leu664Gln; replaces leucine 664 with glutamine.
Molecular consequence: missense variant. On other transcripts: non-coding transcript variant (5).
Genome position (GRCh38, 1-based): chr9:132,905,587, A>T on the plus strand (T>A on the coding strand, the complement: TSC1 is on the minus strand). VCF-style: chr9-132905587-A-T. GRCh37 (hg19) VCF-style: chr9-135780974-A-T.
Other names: c.1625T>A, p.Leu542Gln (NM_001406622.1, NM_001406623.1, NM_001406625.1 and 2 more transcripts); c.1628T>A, p.Leu543Gln (NM_001406624.1, NM_001362177.2, NM_001406614.1 and 5 more transcripts); c.1040T>A, p.Leu347Gln (NM_001406626.1); c.1037T>A, p.Leu346Gln (NM_001406627.1, NM_001406628.1); c.938T>A, p.Leu313Gln (NM_001406629.1, NM_001406630.1); c.1988T>A, p.Leu663Gln (NM_001162426.2, NM_001406597.1, NM_001406598.1 and 6 more transcripts); c.1838T>A, p.Leu613Gln (NM_001162427.2, NM_001406610.1); c.1991T>A, p.Leu664Gln (NM_001406592.1, NM_001406593.1, NM_001406594.1 and 7 more transcripts); and 1 more; short protein forms L612Q, L313Q, L347Q, L663Q, L664Q, L346Q, L543Q, L542Q.
Identifiers: ClinVar variation 3329422 (VCV003329422.1).

ClinVar aggregate classification (germline): Uncertain significance (1 of 4 stars; one submission).

Conditions:
Hereditary cancer-predisposing syndrome. Also called: Neoplastic Syndromes, Hereditary; Tumor predisposition; Hereditary neoplastic syndrome; Hereditary Cancer Syndrome. Identifiers: Orphanet 140162, MedGen C0027672, MeSH D009386, MONDO:0015356.

Submission:

Ambry Genetics
Classification: Uncertain significance for Hereditary cancer-predisposing syndrome. Last evaluated: 2024-05-04. Review status: criteria provided, single submitter. Criteria: Ambry Variant Classification Scheme 2023. Collection method: clinical testing. Allele origin: germline.
Comment: The p.L664Q variant (also known as c.1991T>A), located in coding exon 13 of the TSC1 gene, results from a T to A substitution at nucleotide position 1991. The leucine at codon 664 is replaced by glutamine, an amino acid with dissimilar properties. This amino acid position is conserved. In addition, this alteration is predicted to be deleterious by in silico analysis. Based on the available evidence, the clinical significance of this variant remains unclear.